The following is an entry in ClinVar:

ClinVar aggregate classification (germline): Uncertain significance (1 of 4 stars; one submission).

Conditions:
Amyotrophic lateral sclerosis type 1 (ALS1). Also called: AMYOTROPHIC LATERAL SCLEROSIS 1, FAMILIAL. Identifiers: Orphanet 803, MedGen C1862939, MONDO:0007103, OMIM 105400.
Neuronopathy, distal hereditary motor, type 7B. Also called: HMN VIIB; LOWER MOTOR NEURON DISEASE, DYNACTIN TYPE; NEURONOPATHY, DISTAL HEREDITARY MOTOR, AUTOSOMAL DOMINANT 14; NEURONOPATHY, DISTAL HEREDITARY MOTOR, HARDING TYPE VIIB; NEUROPATHY, DISTAL HEREDITARY MOTOR, HARDING TYPE VIIB; NEUROPATHY, DISTAL HEREDITARY MOTOR, WITH VOCAL CORD PARALYSIS, HARDING TYPE VIIB. Identifiers: Orphanet 139589, MedGen C1843315, MONDO:0011879, OMIM 607641.
Perry syndrome. Also called: PARKINSONISM WITH ALVEOLAR HYPOVENTILATION AND MENTAL DEPRESSION. Identifiers: Orphanet 178509, MedGen C1868594, MONDO:0008201, OMIM 168605.

Submission:

Labcorp Genetics (formerly Invitae), Labcorp
Classification: Uncertain significance for Amyotrophic lateral sclerosis type 1; Neuronopathy, distal hereditary motor, type 7B; Perry syndrome. Last evaluated: 2024-09-26. Review status: criteria provided, single submitter. Criteria: Invitae Variant Classification Sherloc (09022015). Collection method: clinical testing. Allele origin: germline.
Comment: This sequence change replaces arginine, which is basic and polar, with leucine, which is neutral and non-polar, at codon 785 of the DCTN1 protein (p.Arg785Leu). This variant is present in population databases (no rsID available, gnomAD 0.006%). This variant has not been reported in the literature in individuals affected with DCTN1-related conditions. Invitae Evidence Modeling of protein sequence and biophysical properties (such as structural, functional, and spatial information, amino acid conservation, physicochemical variation, residue mobility, and thermodynamic stability) indicates that this missense variant is not expected to disrupt DCTN1 protein function with a negative predictive value of 80%. In summary, the available evidence is currently insufficient to determine the role of this variant in disease. Therefore, it has been classified as a Variant of Uncertain Significance.

NM_004082.5(DCTN1):c.2354G>T (p.Arg785Leu)

Gene: DCTN1 (dynactin subunit 1; minus strand). Cytogenetic location: 2p13.1.
Variant type: single nucleotide variant.
Coding change: c.2354G>T on transcript NM_004082.5 (MANE Select); coding-DNA position 2354, G replaced by T.
Protein change: p.Arg785Leu; replaces arginine 785 with leucine.
Molecular consequence: missense variant. On other transcripts: non-coding transcript variant (1).
Genome position (GRCh38, 1-based): chr2:74,366,895, C>A on the plus strand (G>T on the coding strand, the complement: DCTN1 is on the minus strand). VCF-style: chr2-74366895-C-A. GRCh37 (hg19) VCF-style: chr2-74594022-C-A.
Other names: c.2294G>T, p.Arg765Leu (NM_001135040.3); c.1952G>T, p.Arg651Leu (NM_001135041.3, NM_023019.4); c.2243G>T, p.Arg748Leu (NM_001190836.2); c.2333G>T, p.Arg778Leu (NM_001190837.2); c.2303G>T, p.Arg768Leu (NM_001378991.1); c.2285G>T, p.Arg762Leu (NM_001378992.1); short protein forms R651L, R748L, R762L, R765L, R768L, R778L, R785L.
Identifiers: ClinVar variation 3759031 (VCV003759031.2).